The following is an entry in ClinVar:

NM_002711.4(PPP1R3A):c.1217A>C (p.Glu406Ala)

Gene: PPP1R3A (protein phosphatase 1 regulatory subunit 3A; minus strand). Cytogenetic location: 7q31.1.
Variant type: single nucleotide variant.
Coding change: c.1217A>C on transcript NM_002711.4 (MANE Select); coding-DNA position 1217, A replaced by C.
Protein change: p.Glu406Ala; replaces glutamic acid 406 with alanine.
Molecular consequence: missense variant.
Genome position (GRCh38, 1-based): chr7:113,879,875, T>G on the plus strand (A>C on the coding strand, the complement: PPP1R3A is on the minus strand). VCF-style: chr7-113879875-T-G. GRCh37 (hg19) VCF-style: chr7-113519930-T-G.
Other names: short protein forms E406A.
Identifiers: ClinVar variation 549521 (VCV000549521.6), dbSNP rs138812345, ClinGen allele CA4445305.

ClinVar aggregate classification (germline): Conflicting classifications of pathogenicity. Review status: criteria provided, conflicting classifications (1 of 4 stars). 2 submissions from 2 submitters: Uncertain significance (1); Likely benign (1). Last evaluated 2017-12-05.

Conditions:
Monogenic diabetes. Identifiers: Orphanet 183625, MedGen C3888631, MONDO:0015967.

Allele frequency attached by ClinVar (database versions not stated): gnomAD exomes 0.00013 and 0.00022; ExAC 0.00027; ESP Exome Variant Server 0.00100; gnomAD 0.00105 and 0.00111; TOPMed 0.00129; 1000 Genomes Project 30x 0.00156; 1000 Genomes Project 0.00160.
gnomAD v4.1: 381 of 1,613,660 alleles (0.024%); highest among the groups gnomAD compares: African/African-American, 0.43%; 2 homozygotes.

Submissions (2):

Labcorp Genetics (formerly Invitae), Labcorp
Classification: Likely benign. Last evaluated: 2017-12-05. Review status: criteria provided, single submitter. Criteria: Invitae Variant Classification Sherloc (09022015). Collection method: clinical testing. Allele origin: germline.

Personalized Diabetes Medicine Program, University of Maryland School of Medicine
Classification: Uncertain significance for Monogenic diabetes. Last evaluated: 2017-02-17. Review status: criteria provided, single submitter. Criteria: ACMG Guidelines, 2015. Collection method: research. Allele origin: unknown. Observed: 1 variant allele, 1 heterozygote. Study: Personalized Diabetes Medicine Program.
Comment: ACMG Criteria:PP3 (4 predictors), BP4 (5 predictors)